The following is an entry in ClinVar:

ClinVar aggregate classification (germline): other (0 of 4 stars; one submission).

Conditions:
Familial colorectal cancer. Identifiers: MedGen CN280943, MONDO:0023113. Disease mechanism: loss of function.

Allele frequency attached by ClinVar (database versions not stated): 1000 Genomes Project 0.14297; gnomAD 0.10371 and 0.10527; TOPMed 0.11004; 1000 Genomes Project 30x 0.14179.
gnomAD v4.1: 15,653 of 152,074 alleles (10%); highest among the groups gnomAD compares: African/African-American, 25%; 1,511 homozygotes.

Submission:

Systems Biology Platform Zhejiang California International NanoSystems Institute
Classification: other for Familial colorectal cancer. Review status: no assertion criteria provided. Collection method: not provided. Allele origin: unknown.
ClinVar note: Converted during submission from cancer to other.

NM_000038.6(APC):c.1744-1024A>G

Gene: APC (APC regulator of WNT signaling pathway; plus strand). Cytogenetic location: 5q22.2.
Variant type: single nucleotide variant.
Coding change: c.1744-1024A>G on transcript NM_000038.6 (MANE Select); 1024 bases into the intron before coding-DNA position 1744, A replaced by G.
Molecular consequence: intron variant.
Genome position (GRCh38, 1-based): chr5:112,833,927, A>G. VCF-style: chr5-112833927-A-G. GRCh37 (hg19) VCF-style: chr5-112169624-A-G.
Other names: c.1744-1024A>G (NM_001354895.2, NM_001127510.3); c.1774-1024A>G (NM_001354897.2); c.1471-1024A>G (NM_001354902.2); c.1690-1024A>G (NM_001127511.3); c.1669-1024A>G (NM_001354898.2); c.1366-1024A>G (NM_001354904.2); c.895-1024A>G (NM_001354906.2); c.1798-1024A>G (NM_001354896.2); and 5 more.
Identifiers: ClinVar variation 83197 (VCV000083197.2), dbSNP rs918397, ClinGen allele CA005732.